The following is an entry in ClinVar:

ClinVar aggregate classification (germline): Benign/Likely benign. Review status: criteria provided, multiple submitters, no conflicts (2 of 4 stars). 7 submissions from 7 submitters: Benign (4); Likely benign (2). 1 of the submissions does not count toward it. Last evaluated 2026-02-01.

Conditions:
Cardioencephalomyopathy, fatal infantile, due to cytochrome c oxidase deficiency 2 (MC4DN6). Also called: MITOCHONDRIAL COMPLEX IV DEFICIENCY, NUCLEAR TYPE 6. Identifiers: Orphanet 1561, MedGen C3554534, MONDO:0014051, OMIM 615119.
COX15-related disorder. Also called: COX15-related condition.
Leigh syndrome (NULS). Also called: Leigh Disease; Subacute necrotizing encephalopathy; Necrotizing encephalopathy infantile subacute of Leigh; Leigh Syndrome (mtDNA deletion); Leigh's syndrome; LEIGH SYNDROME, NUCLEAR. Identifiers: Orphanet 506, MedGen C2931891, MONDO:0009723, OMIM 256000.

Allele frequency attached by ClinVar (database versions not stated): gnomAD exomes 0.00089 and 0.00245; ExAC 0.00290; gnomAD 0.00863 and 0.00915; ESP Exome Variant Server 0.00900; TOPMed 0.00956; 1000 Genomes Project 0.01058; 1000 Genomes Project 30x 0.01171.

Submissions (7):

Labcorp Genetics (formerly Invitae), Labcorp
Classification: Benign. Last evaluated: 2026-02-01. Review status: criteria provided, single submitter. Criteria: Invitae Variant Classification Sherloc (09022015). Collection method: clinical testing. Allele origin: germline.

Mayo Clinic Laboratories, Mayo Clinic
Classification: Benign. Last evaluated: 2023-03-17. Review status: criteria provided, single submitter. Criteria: ACMG Guidelines, 2015. Collection method: clinical testing. Allele origin: germline. Observed: 7 variant alleles.
Comment: BS1, BS2, BP4

ARUP Laboratories, Molecular Genetics and Genomics, ARUP Laboratories
Classification: Benign for Cardioencephalomyopathy, fatal infantile, due to cytochrome c oxidase deficiency 2. Last evaluated: 2018-08-31. Review status: criteria provided, single submitter. Criteria: ARUP Molecular Germline Variant Investigation Process. Collection method: clinical testing. Allele origin: germline.

Illumina Laboratory Services, Illumina
Classification: Likely benign for Leigh syndrome. Last evaluated: 2018-01-12. Review status: criteria provided, single submitter. Criteria: ICSL Variant Classification Criteria 13 December 2019. Collection method: clinical testing. Allele origin: germline.
Comment: This variant was observed in the ICSL laboratory as part of a predisposition screen in an ostensibly healthy population. It had not been previously curated by ICSL or reported in the Human Gene Mutation Database (HGMD: prior to June 1st, 2018), and was therefore a candidate for classification through an automated scoring system. Utilizing variant allele frequency, disease prevalence and penetrance estimates, and inheritance mode, an automated score was calculated to assess if this variant is too frequent to cause the disease. Based on the score and internal cut-off values, a variant classified as likely benign is not then subjected to further curation. The score for this variant resulted in a classification of likely benign for this disease.

GeneDx
Classification: Benign. Last evaluated: 2014-04-17. Review status: criteria provided, single submitter. Criteria: GeneDx Variant Classification (06012015). Collection method: clinical testing. Allele origin: germline. Affected: yes.
Comment: This variant is considered likely benign or benign based on one or more of the following criteria: it is a conservative change, it occurs at a poorly conserved position in the protein, it is predicted to be benign by multiple in silico algorithms, and/or has population frequency not consistent with disease.

Breakthrough Genomics
Classification: Likely benign. Review status: criteria provided, single submitter. Criteria: ACMG Guidelines, 2015. Collection method: not provided. Allele origin: germline. Inheritance: Autosomal recessive inheritance. Affected: yes.

PreventionGenetics, part of Exact Sciences
Classification: Benign for COX15-related condition. Last evaluated: 2019-03-29. Review status: no assertion criteria provided. Collection method: clinical testing. Allele origin: germline. Not counted in ClinVar's aggregate classification.
Comment: This variant is classified as benign based on ACMG/AMP sequence variant interpretation guidelines (Richards et al. 2015 PMID: 25741868, with internal and published modifications).

NM_078470.6(COX15):c.548G>A (p.Arg183His)

Gene: COX15 (cytochrome c oxidase assembly factor COX15; minus strand). Cytogenetic location: 10q24.2.
Variant type: single nucleotide variant.
Coding change: c.548G>A on transcript NM_078470.6 (MANE Select); coding-DNA position 548, G replaced by A.
Protein change: p.Arg183His; replaces arginine 183 with histidine.
Molecular consequence: missense variant. On other transcripts: non-coding transcript variant (1).
Genome position (GRCh38, 1-based): chr10:99,727,002, C>T on the plus strand (G>A on the coding strand, the complement: COX15 is on the minus strand). VCF-style: chr10-99727002-C-T. GRCh37 (hg19) VCF-style: chr10-101486759-C-T.
Other names: p.R183H:CGT>CAT; p.Arg183His; c.548G>A, p.Arg183His (NM_001320974.2, NM_001320975.2, NM_001372024.1 and 5 more transcripts); c.11G>A, p.Arg4His (NM_001320976.2); short protein forms R183H, R4H.
Identifiers: ClinVar variation 137016 (VCV000137016.26), dbSNP rs35483721, ClinGen allele CA290488.